The following is an entry in ClinVar:

ClinVar aggregate classification (germline): Uncertain significance (1 of 4 stars; one submission).

Conditions:
Cardiovascular phenotype. Identifiers: MedGen CN230736.

Submission:

Ambry Genetics
Classification: Uncertain significance for Cardiovascular phenotype. Last evaluated: 2026-03-11. Review status: criteria provided, single submitter. Criteria: Ambry Variant Classification Scheme 2023. Collection method: clinical testing. Allele origin: germline.
Comment: The p.S1857C variant (also known as c.5570C>G), located in coding exon 2 of the ZNF469 gene, results from a C to G substitution at nucleotide position 5570. The serine at codon 1857 is replaced by cysteine, an amino acid with dissimilar properties. This amino acid position is conserved. In addition, this alteration is predicted to be tolerated by in silico analysis. Based on the available evidence, the clinical significance of this variant remains unclear.

NM_001127464.1:c.5570C>G

Gene: ZNF469 (zinc finger protein 469; plus strand).
Variant type: single nucleotide variant.
Identifiers: ClinVar variation 4826327 (VCV004826327.1).